The following is an entry in ClinVar:

ClinVar aggregate classification (germline): Uncertain significance (1 of 4 stars; one submission).

Conditions:
Hereditary cancer-predisposing syndrome. Also called: Neoplastic Syndromes, Hereditary; Tumor predisposition; Hereditary Cancer Syndrome; Hereditary neoplastic syndrome. Identifiers: Orphanet 140162, MedGen C0027672, MeSH D009386, MONDO:0015356.

Allele frequency attached by ClinVar (database versions not stated): gnomAD exomes below 0.00001.
gnomAD v4.1: 1 of 1,612,236 alleles (0.000062%); highest among the groups gnomAD compares: Non-Finnish European, 0.000085%; no homozygotes.

Submission:

Ambry Genetics
Classification: Uncertain significance for Hereditary cancer-predisposing syndrome. Last evaluated: 2022-06-20. Review status: criteria provided, single submitter. Criteria: Ambry Variant Classification Scheme 2023. Collection method: clinical testing. Allele origin: germline.
Comment: The p.I412F variant (also known as c.1234A>T), located in coding exon 11 of the MRE11A gene, results from an A to T substitution at nucleotide position 1234. The isoleucine at codon 412 is replaced by phenylalanine, an amino acid with highly similar properties. This amino acid position is conserved. In addition, this alteration is predicted to be tolerated by in silico analysis. Since supporting evidence is limited at this time, the clinical significance of this alteration remains unclear.

NM_005591.4(MRE11):c.1234A>T (p.Ile412Phe)

Gene: MRE11 (MRE11 double strand break repair nuclease; minus strand). Cytogenetic location: 11q21.
Variant type: single nucleotide variant.
Coding change: c.1234A>T on transcript NM_005591.4 (MANE Select); coding-DNA position 1234, A replaced by T.
Protein change: p.Ile412Phe; replaces isoleucine 412 with phenylalanine.
Molecular consequence: missense variant.
Genome position (GRCh38, 1-based): chr11:94,461,028, T>A on the plus strand (A>T on the coding strand, the complement: MRE11 is on the minus strand). VCF-style: chr11-94461028-T-A. GRCh37 (hg19) VCF-style: chr11-94194194-T-A.
Other names: c.1234A>T, p.Ile412Phe (NM_001330347.2, NM_005590.4); short protein forms I412F.
Identifiers: ClinVar variation 1800124 (VCV001800124.2), dbSNP rs2496400697, ClinGen allele CA382372466.